The following is an entry in ClinVar:

NM_015978.3(TNNI3K):c.1301A>T (p.Lys434Met)

Genes: FPGT-TNNI3K (FPGT-TNNI3K readthrough; plus strand), TNNI3K (TNNI3 interacting kinase; plus strand). Cytogenetic location: 1p31.1.
Variant type: single nucleotide variant.
Coding change: c.1301A>T on transcript NM_015978.3 (MANE Select); coding-DNA position 1301, A replaced by T.
Protein change: p.Lys434Met; replaces lysine 434 with methionine.
Molecular consequence: missense variant.
Genome position (GRCh38, 1-based): chr1:74,367,944, A>T. VCF-style: chr1-74367944-A-T. GRCh37 (hg19) VCF-style: chr1-74833628-A-T.
Other names: c.1604A>T, p.Lys535Met (NM_001112808.3, NM_001199327.2); short protein forms K434M, K535M.
Identifiers: ClinVar variation 3639020 (VCV003639020.2).

ClinVar aggregate classification (germline): Uncertain significance (1 of 4 stars; one submission).

Submission:

Labcorp Genetics (formerly Invitae), Labcorp
Classification: Uncertain significance. Last evaluated: 2024-02-05. Review status: criteria provided, single submitter. Criteria: Invitae Variant Classification Sherloc (09022015). Collection method: clinical testing. Allele origin: germline.
Comment: This sequence change replaces lysine, which is basic and polar, with methionine, which is neutral and non-polar, at codon 434 of the TNNI3K protein (p.Lys434Met). This variant is not present in population databases (gnomAD no frequency). This variant has not been reported in the literature in individuals affected with TNNI3K-related conditions. Advanced modeling of protein sequence and biophysical properties (such as structural, functional, and spatial information, amino acid conservation, physicochemical variation, residue mobility, and thermodynamic stability) performed at Invitae indicates that this missense variant is not expected to disrupt TNNI3K protein function with a negative predictive value of 80%. In summary, the available evidence is currently insufficient to determine the role of this variant in disease. Therefore, it has been classified as a Variant of Uncertain Significance.